The following is an entry in ClinVar:

NM_000219.6(KCNE1):c.304A>G (p.Ser102Gly)

Gene: KCNE1 (potassium voltage-gated channel subfamily E regulatory subunit 1; minus strand). Cytogenetic location: 21q22.12.
Variant type: single nucleotide variant.
Coding change: c.304A>G on transcript NM_000219.6 (MANE Select); coding-DNA position 304, A replaced by G.
Protein change: p.Ser102Gly; replaces serine 102 with glycine.
Molecular consequence: missense variant.
Genome position (GRCh38, 1-based): chr21:34,449,331, T>C on the plus strand (A>G on the coding strand, the complement: KCNE1 is on the minus strand). VCF-style: chr21-34449331-T-C. GRCh37 (hg19) VCF-style: chr21-35821629-T-C.
Other names: c.304A>G, p.Ser102Gly (NM_001127668.4, NM_001127669.4, NM_001127670.4 and 4 more transcripts); short protein forms S102G.
Identifiers: ClinVar variation 3374583 (VCV003374583.2).
Genomic context (GRCh38, chr21:34,449,331, plus strand): 5'-GGTGTGTGTTGGGTTGTTCTATGGCCAGATGGTTTTCAACGACATAGCACGACCTGTAGC[T>C]CTCCAGGACCCGGGCCTGGACATAGGCCTTGTCCTTCTCTTGCCAGGCATCGGACTCGAT-3'
Protein context (NP_000210.2, residues 92-112): KAYVQARVLE[Ser102Gly]YRSCYVVENH

Conditions:
Long QT syndrome 5 (LQT5). Identifiers: Orphanet 101016, Orphanet 768, MedGen C1867904, MONDO:0013372, OMIM 613695.

Submission:

Roden Lab, Vanderbilt University Medical Center
No classification provided (evidence only). Condition: Long QT syndrome 5. Review status: no classification provided. Collection method: in vitro. Allele origin: not applicable. Functional consequence: Effect on ion channel function.
ClinVar note: "not provided" was previously submitted as the classification for the variant. However, the classification appeared to be based only on an observation of functional data so it was converted to no classification on 2025-07-30.